The following is an entry in ClinVar:

ClinVar aggregate classification (germline): Uncertain significance (1 of 4 stars; one submission).

Conditions:
BBS10-related disorder. Also called: BBS10-related condition.

Submission:

PreventionGenetics, part of Exact Sciences
Classification: Uncertain significance for BBS10-related condition. Last evaluated: 2025-08-04. Review status: criteria provided, single submitter. Criteria: ACMG Guidelines, 2015. Collection method: clinical testing. Allele origin: germline.
Comment: The BBS10 c.1475A>C variant is predicted to result in the amino acid substitution p.Asn492Thr. To our knowledge, this variant has not been reported in the literature or in a large population database (gnomAD), indicating this variant is rare. At this time, the clinical significance of this variant is uncertain due to the absence of conclusive functional and genetic evidence.

NM_024685.4(BBS10):c.1475A>C (p.Asn492Thr)

Gene: BBS10 (Bardet-Biedl syndrome 10; minus strand). Cytogenetic location: 12q21.2.
Variant type: single nucleotide variant.
Coding change: c.1475A>C on transcript NM_024685.4 (MANE Select); coding-DNA position 1475, A replaced by C.
Protein change: p.Asn492Thr; replaces asparagine 492 with threonine.
Molecular consequence: missense variant.
Genome position (GRCh38, 1-based): chr12:76,346,510, T>G on the plus strand (A>C on the coding strand, the complement: BBS10 is on the minus strand). VCF-style: chr12-76346510-T-G. GRCh37 (hg19) VCF-style: chr12-76740290-T-G.
Other names: short protein forms N492T.
Identifiers: ClinVar variation 5001167 (VCV005001167.1).